The following is an entry in ClinVar:

NM_005422.4(TECTA):c.3492C>T (p.Thr1164=)

Genes: TBCEL-TECTA (TBCEL-TECTA readthrough; plus strand), TECTA (tectorin alpha; plus strand). Cytogenetic location: 11q23.3.
Variant type: single nucleotide variant.
Coding change: c.3492C>T on transcript NM_005422.4 (MANE Select); coding-DNA position 3492, C replaced by T.
Protein change: p.Thr1164=; no amino-acid change (threonine 1164 retained).
Molecular consequence: synonymous variant.
Genome position (GRCh38, 1-based): chr11:121,137,971, C>T. VCF-style: chr11-121137971-C-T. GRCh37 (hg19) VCF-style: chr11-121008680-C-T.
Other names: NM_005422.2(TECTA):c.3492C>T; c.4449C>T, p.Thr1483= (NM_001378761.1).
Identifiers: ClinVar variation 178539 (VCV000178539.30), dbSNP rs144012985, ClinGen allele CA182519.

ClinVar aggregate classification (germline): Likely benign. Review status: reviewed by expert panel (3 of 4 stars). 10 submissions from 9 submitters: Likely benign (1). 9 of the submissions do not count toward it. Last evaluated 2019-02-13.

Conditions:
TECTA-related disorder. Also called: TECTA-related condition.
Nonsyndromic genetic hearing loss. Also called: Nonsyndromic genetic deafness; Non-syndromic genetic deafness; Nonsyndromic hearing loss and deafness. Identifiers: Orphanet 87884, MedGen C5680182, MONDO:0019497.
Autosomal recessive nonsyndromic hearing loss 21. Identifiers: Orphanet 90636, MedGen C1863655, MONDO:0011351, OMIM 603629.
Autosomal dominant nonsyndromic hearing loss 12. Also called: DEAFNESS, AUTOSOMAL DOMINANT 8. Identifiers: Orphanet 90635, MedGen C1832187, MONDO:0011102, OMIM 601543.

Allele frequency attached by ClinVar (database versions not stated): gnomAD exomes 0.00039; ExAC 0.00050; 1000 Genomes Project 0.00120; 1000 Genomes Project 30x 0.00125; gnomAD 0.00131 and 0.00138; ESP Exome Variant Server 0.00138; TOPMed 0.00144.
gnomAD v4.1: 429 of 1,613,034 alleles (0.027%); highest among the groups gnomAD compares: African/African-American, 0.42%; no homozygotes.

Submissions (10):

ClinGen Hearing Loss Variant Curation Expert Panel
Classification: Likely benign for Nonsyndromic genetic hearing loss. Last evaluated: 2019-02-13. Review status: reviewed by expert panel. Criteria: ClinGen HL ACMG Specifications v1. Collection method: curation. Allele origin: germline. Inheritance: Autosomal recessive inheritance.
Comment: The filtering allele frequency of the c.3492C>T (p.Thr1164=) variant in the TECTA gene is 0.423% for African chromosomes by gnomAD (123/23960) with 95% CI), which is a high enough frequency to be classified as likely benign based on the thresholds defined by the ClinGen Hearing Loss Expert Panel for autosomal recessive hearing loss variants (BS1). The silent p.Thr1164= variant in TECTA is not predicted by MaxEntScan to impact splicing (BP7, BP4). In summary, this variant meets criteria to be classified as likely benign. ACMG/AMP criteria applied, as specified by the Hearing Loss Expert Panel: BS1, BP7, BP4.

Women's Health and Genetics/Laboratory Corporation of America, LabCorp
Classification: Likely benign. Last evaluated: 2026-02-25. Review status: criteria provided, single submitter. Criteria: LabCorp Variant Classification Summary - May 2015. Collection method: clinical testing. Allele origin: germline. Not counted in ClinVar's aggregate classification.

Labcorp Genetics (formerly Invitae), Labcorp
Classification: Benign. Last evaluated: 2025-12-15. Review status: criteria provided, single submitter. Criteria: Invitae Variant Classification Sherloc (09022015). Collection method: clinical testing. Allele origin: germline. Not counted in ClinVar's aggregate classification.

Blueprint Genetics
Classification: Likely benign. Last evaluated: 2024-11-01. Review status: criteria provided, single submitter. Criteria: ACMG Guidelines, 2015. Collection method: clinical testing. Allele origin: germline. Not counted in ClinVar's aggregate classification.

ARUP Laboratories, Molecular Genetics and Genomics, ARUP Laboratories
Classification: Likely benign. Last evaluated: 2021-04-13. Review status: criteria provided, single submitter. Criteria: ARUP Molecular Germline Variant Investigation Process 2021. Collection method: clinical testing. Allele origin: germline. Not counted in ClinVar's aggregate classification.

GeneDx
Classification: Likely benign. Last evaluated: 2020-12-16. Review status: criteria provided, single submitter. Criteria: GeneDx Variant Classification Process June 2021. Collection method: clinical testing. Allele origin: germline. Affected: yes. Not counted in ClinVar's aggregate classification.

Illumina Laboratory Services, Illumina
Classification: Uncertain significance for Autosomal recessive nonsyndromic hearing loss 21. Last evaluated: 2018-01-13. Review status: criteria provided, single submitter. Criteria: ICSL Variant Classification Criteria 13 December 2019. Collection method: clinical testing. Allele origin: germline. Not counted in ClinVar's aggregate classification.

Illumina Laboratory Services, Illumina
Classification: Likely benign for Autosomal dominant nonsyndromic hearing loss 12. Last evaluated: 2018-01-13. Review status: criteria provided, single submitter. Criteria: ICSL Variant Classification Criteria 13 December 2019. Collection method: clinical testing. Allele origin: germline. Not counted in ClinVar's aggregate classification.
Comment: This variant was observed in the ICSL laboratory as part of a predisposition screen in an ostensibly healthy population. It had not been previously curated by ICSL or reported in the Human Gene Mutation Database (HGMD: prior to June 1st, 2018), and was therefore a candidate for classification through an automated scoring system. Utilizing variant allele frequency, disease prevalence and penetrance estimates, and inheritance mode, an automated score was calculated to assess if this variant is too frequent to cause the disease. Based on the score and internal cut-off values, a variant classified as likely benign is not then subjected to further curation. The score for this variant resulted in a classification of likely benign for this disease.

Laboratory for Molecular Medicine, Mass General Brigham Personalized Medicine
Classification: Benign. Last evaluated: 2016-06-16. Review status: criteria provided, single submitter. Criteria: LMM Criteria. Collection method: clinical testing. Allele origin: germline. Observed: 4 variant alleles. Not counted in ClinVar's aggregate classification.
Comment: p.Thr1164Thr in Exon 10 of TECTA: This variant is not expected to have clinical significance because it does not alter an amino acid residue, is not located wit hin the splice consensus sequence, and has been identified in 0.5% (52/10124) of African chromosomes by the Exome Aggregation Consortium (ExAC; dbSNP rs144012985).

PreventionGenetics, part of Exact Sciences
Classification: Likely benign for TECTA-related condition. Last evaluated: 2019-03-20. Review status: no assertion criteria provided. Collection method: clinical testing. Allele origin: germline. Not counted in ClinVar's aggregate classification.
Comment: This variant is classified as likely benign based on ACMG/AMP sequence variant interpretation guidelines (Richards et al. 2015 PMID: 25741868, with internal and published modifications).